The following is an entry in ClinVar:

ClinVar aggregate classification (germline): Uncertain significance (1 of 4 stars; one submission).

Conditions:
Charcot-Marie-Tooth disease type 2. Also called: Charcot-Marie-Tooth type 2. Identifiers: Orphanet 64746, MedGen C0270914, MONDO:0018993.

Submission:

Labcorp Genetics (formerly Invitae), Labcorp
Classification: Uncertain significance for Charcot-Marie-Tooth disease type 2. Last evaluated: 2025-06-01. Review status: criteria provided, single submitter. Criteria: Invitae Variant Classification Sherloc (09022015). Collection method: clinical testing. Allele origin: germline.
Comment: This sequence change replaces phenylalanine, which is neutral and non-polar, with cysteine, which is neutral and slightly polar, at codon 592 of the AARS protein (p.Phe592Cys). This variant is not present in population databases (gnomAD no frequency). This variant has not been reported in the literature in individuals affected with AARS-related conditions. Invitae Evidence Modeling of protein sequence and biophysical properties (such as structural, functional, and spatial information, amino acid conservation, physicochemical variation, residue mobility, and thermodynamic stability) indicates that this missense variant is not expected to disrupt AARS protein function with a negative predictive value of 95%. In summary, the available evidence is currently insufficient to determine the role of this variant in disease. Therefore, it has been classified as a Variant of Uncertain Significance.

NM_001605.3(AARS1):c.1775T>G (p.Phe592Cys)

Gene: AARS1 (alanyl-tRNA synthetase 1; minus strand). Cytogenetic location: 16q22.1.
Variant type: single nucleotide variant.
Coding change: c.1775T>G on transcript NM_001605.3 (MANE Select); coding-DNA position 1775, T replaced by G.
Protein change: p.Phe592Cys; replaces phenylalanine 592 with cysteine.
Molecular consequence: missense variant.
Genome position (GRCh38, 1-based): chr16:70,261,054, A>C on the plus strand (T>G on the coding strand, the complement: AARS1 is on the minus strand). VCF-style: chr16-70261054-A-C. GRCh37 (hg19) VCF-style: chr16-70294957-A-C.
Other names: short protein forms F592C.
Identifiers: ClinVar variation 4738654 (VCV004738654.1).